The following is an entry in ClinVar:

NM_001429.4(EP300):c.3740G>A (p.Cys1247Tyr)

Gene: EP300 (E1A binding protein p300; plus strand). Cytogenetic location: 22q13.2.
Variant type: single nucleotide variant.
Coding change: c.3740G>A on transcript NM_001429.4 (MANE Select); coding-DNA position 3740, G replaced by A.
Protein change: p.Cys1247Tyr; replaces cysteine 1247 with tyrosine.
Molecular consequence: missense variant.
Genome position (GRCh38, 1-based): chr22:41,164,064, G>A. VCF-style: chr22-41164064-G-A. GRCh37 (hg19) VCF-style: chr22-41560068-G-A.
Other names: c.3662G>A, p.Cys1221Tyr (NM_001362843.2); short protein forms C1221Y, C1247Y.
Identifiers: ClinVar variation 1194133 (VCV001194133.2), dbSNP rs2145756387, ClinGen allele CA411697781.

ClinVar aggregate classification (germline): Pathogenic (1 of 4 stars; one submission).

Submission:

GeneDx
Classification: Pathogenic. Last evaluated: 2020-08-11. Review status: criteria provided, single submitter. Criteria: GeneDx Variant Classification Process June 2021. Collection method: clinical testing. Allele origin: germline. Affected: yes.
Comment: Not observed in large population cohorts (Lek et al., 2016); In silico analysis supports that this missense variant has a deleterious effect on protein structure/function; Has not been previously published as pathogenic or benign to our knowledge